The following is an entry in ClinVar:

NM_000152.5(GAA):c.2005_2010del (p.Pro669_Phe670del)

Gene: GAA (alpha glucosidase; plus strand). Cytogenetic location: 17q25.3.
Variant type: Deletion.
Coding change: c.2005_2010del on transcript NM_000152.5 (MANE Select); coding-DNA positions 2005 to 2010, 6 bases deleted (CCCTTC; older notation c.2005_2010delCCCTTC).
Protein change: p.Pro669_Phe670del.
Molecular consequence: inframe deletion.
Genome position (GRCh38, 1-based): chr17:80,112,992-80,112,997, CCCTTC deleted; deleting any 6 consecutive bases within chr17:80,112,991-80,112,997 gives the same sequence; the c. name uses the placement nearest the transcript's 3' end. VCF-style (leftmost placement, unchanged base first): chr17-80112990-ACCCCTT-A. GRCh37 (hg19) VCF-style: chr17-78086789-ACCCCTT-A.
Other names: c.2005_2010del, p.Pro669_Phe670del (NM_001079803.3, NM_001079804.3, NM_001406741.1 and 1 more transcripts).
Identifiers: ClinVar variation 4876636 (VCV004876636.1).

ClinVar aggregate classification (germline): Uncertain significance (1 of 4 stars; one submission).

Conditions:
Glycogen storage disease, type II (IOPD). Also called: Pompe Disease; CARDIOMEGALIA GLYCOGENICA DIFFUSA; GLYCOGENOSIS, GENERALIZED, CARDIAC FORM; GSD II; POMPE DISEASE, INFANTILE-ONSET; GLYCOGEN STORAGE DISEASE II, INFANTILE-ONSET. Identifiers: Orphanet 365, MedGen C0017921, MONDO:0009290, OMIM 232300.

Submission:

Genomenon, Inc
Classification: Uncertain significance for Glycogen storage disease, type II. Last evaluated: 2026-07-01. Review status: criteria provided, single submitter. Criteria: Genomenon Sequence Variant Interpretation Standards - Updated. Collection method: curation. Allele origin: germline. Affected: no.
Comment: GAA p.Pro669_Phe670del (c.2005_2010del) is an in-frame deletion that results in the loss of Proline at codon 669 and Phenylalanine at codon 670. This variant has been reported in the published literature (PMID:40981304). It is absent or not present at a significant frequency in gnomAD. In conclusion, we classify GAA p.Pro669_Phe670del (c.2005_2010del) as a variant of uncertain significance.

Literature cited by the submitters: PubMed 40981304.